The following is an entry in ClinVar:

ClinVar aggregate classification (germline): Uncertain significance (0 of 4 stars; one submission).

Conditions:
PLCG1-related disorder. Also called: PLCG1-related condition.

gnomAD v4.1: 3 of 1,613,780 alleles (0.00019%); highest among the groups gnomAD compares: Non-Finnish European, 0.00025%; no homozygotes.

Submission:

PreventionGenetics, part of Exact Sciences
Classification: Uncertain significance for PLCG1-related condition. Last evaluated: 2024-09-26. Review status: no assertion criteria provided. Collection method: clinical testing. Allele origin: germline.
Comment: The PLCG1 c.511C>T variant is predicted to result in the amino acid substitution p.Arg171Cys. To our knowledge, this variant has not been reported in the literature or in a large population database, indicating this variant is rare. At this time, the clinical significance of this variant is uncertain due to the absence of conclusive functional and genetic evidence.

NM_002660.3(PLCG1):c.511C>T (p.Arg171Cys)

Gene: PLCG1 (phospholipase C gamma 1; plus strand). Cytogenetic location: 20q12.
Variant type: single nucleotide variant.
Coding change: c.511C>T on transcript NM_002660.3 (MANE Select); coding-DNA position 511, C replaced by T.
Protein change: p.Arg171Cys; replaces arginine 171 with cysteine.
Molecular consequence: missense variant.
Genome position (GRCh38, 1-based): chr20:41,160,152, C>T. VCF-style: chr20-41160152-C-T. GRCh37 (hg19) VCF-style: chr20-39788792-C-T.
Other names: c.511C>T, p.Arg171Cys (NM_182811.2); short protein forms R171C.
Identifiers: ClinVar variation 3344988 (VCV003344988.1).